The following is an entry in ClinVar:

NM_005633.4(SOS1):c.2104T>C (p.Tyr702His)

Gene: SOS1 (SOS Ras/Rac guanine nucleotide exchange factor 1; minus strand). Cytogenetic location: 2p22.1.
Variant type: single nucleotide variant.
Coding change: c.2104T>C on transcript NM_005633.4 (MANE Select); coding-DNA position 2104, T replaced by C.
Protein change: p.Tyr702His; replaces tyrosine 702 with histidine.
Molecular consequence: missense variant.
Genome position (GRCh38, 1-based): chr2:39,013,523, A>G on the plus strand (T>C on the coding strand, the complement: SOS1 is on the minus strand). VCF-style: chr2-39013523-A-G. GRCh37 (hg19) VCF-style: chr2-39240664-A-G.
Other names: p.Y702H:TAT>CAT; c.2083T>C, p.Tyr695His (NM_001382394.1); c.2104T>C, p.Tyr702His (NM_001382395.1); short protein forms Y702H, Y695H.
Identifiers: ClinVar variation 40696 (VCV000040696.28), dbSNP rs727505381, ClinGen allele CA273696.

ClinVar aggregate classification (germline): Conflicting classifications of pathogenicity. Review status: criteria provided, conflicting classifications (1 of 4 stars). 7 submissions from 7 submitters: Pathogenic (5); Uncertain significance (1). 1 of the submissions does not count toward it. Last evaluated 2026-05-12.

Conditions:
SOS1-related disorder. Also called: SOS1-related condition.
Cardiovascular phenotype. Identifiers: MedGen CN230736.
RASopathy. Also called: rasopathies; Noonan spectrum disorder. Identifiers: Orphanet 536391, MedGen C5555857, MONDO:0021060.
Fibromatosis, gingival, 1 (GINGF1). Identifiers: Orphanet 2024, MedGen C4551558, MONDO:0007609, OMIM 135300.
Noonan syndrome 4 (NS4). Also called: NOONAN SYNDROME WITH PIGMENTED VILLONODULAR SYNOVITIS; SOS1-Related Noonan Syndrome. Identifiers: Orphanet 648, MedGen C1853120, MONDO:0012547, OMIM 610733.
Noonan syndrome (NS). Also called: Noonan's syndrome. Identifiers: Orphanet 648, MedGen C0028326, MeSH D009634, MONDO:0018997. Disease mechanism: gain of function.

Allele frequency attached by ClinVar (database versions not stated): gnomAD exomes below 0.00001.
gnomAD v4.1: 3 of 1,612,554 alleles (0.00019%); highest among the groups gnomAD compares: South Asian, 0.0011%; no homozygotes.

Submissions (7):

Ambry Genetics
Classification: Uncertain significance for Cardiovascular phenotype. Last evaluated: 2026-05-12. Review status: criteria provided, single submitter. Criteria: Ambry Variant Classification Scheme 2023. Collection method: clinical testing. Allele origin: germline.
Comment: The p.Y702H variant (also known as c.2104T>C), located in coding exon 13 of the SOS1 gene, results from a T to C substitution at nucleotide position 2104. The tyrosine at codon 702 is replaced by histidine, an amino acid with similar properties. This variant was reported in individual(s) with features consistent with SOS1-related RASopathy (Zenker M et al. J Med Genet, 2007 Oct;44:651-6; Tartaglia M et al. Nat Genet, 2007 Jan;39:75-9; Longoni M et al. Am J Med Genet A, 2010 Sep;152A:2176-84; Digilio MC et al. Mol Syndromol, 2011 Sep;1:282-289; van Trier DC et al. Int J Pediatr Otorhinolaryngol, 2015 Jun;79:874-878; Swarts JW et al. Am J Med Genet A, 2022 Nov;188:3242-3261). In an assay testing SOS1 function, this variant showed a functionally abnormal result (Smith MJ et al. Proc Natl Acad Sci U S A, 2013 Mar;110:4574-9). This amino acid position is highly conserved in available vertebrate species. In addition, this alteration is predicted to be deleterious by in silico analysis. Based on the available evidence, the clinical significance of this variant remains unclear.

Labcorp Genetics (formerly Invitae), Labcorp
Classification: Pathogenic for RASopathy. Last evaluated: 2026-01-07. Review status: criteria provided, single submitter. Criteria: Invitae Variant Classification Sherloc (09022015). Collection method: clinical testing. Allele origin: germline.
Comment: This sequence change replaces tyrosine, which is neutral and polar, with histidine, which is basic and polar, at codon 702 of the SOS1 protein (p.Tyr702His). This variant is present in population databases (rs727505381, gnomAD 0.003%). This missense change has been observed in individuals with Noonan syndrome and features suggestive of Noonan syndrome (PMID: 17143282, 17586837, 20683980, 22190897, 23885229, 25862627). It has also been observed to segregate with disease in related individuals. ClinVar contains an entry for this variant (Variation ID: 40696). Invitae Evidence Modeling of protein sequence and biophysical properties (such as structural, functional, and spatial information, amino acid conservation, physicochemical variation, residue mobility, and thermodynamic stability) has been performed for this missense variant. However, the output from this modeling did not meet the statistical confidence thresholds required to predict the impact of this variant on SOS1 protein function. Experimental studies have shown that this missense change affects SOS1 function (PMID: 23487764). For these reasons, this variant has been classified as Pathogenic.

GeneDx
Classification: Pathogenic. Last evaluated: 2024-09-08. Review status: criteria provided, single submitter. Criteria: GeneDx Variant Classification Process June 2021. Collection method: clinical testing. Allele origin: germline. Affected: yes.
Comment: Published functional studies demonstrate increased ERK activation in starved cells and increased activated RAS exchange (PMID: 23487764); Gain-of-function variants in this gene are considered pathogenic by a well-established clinical consortium and/or database (PMID: 17143282); In silico analysis supports that this missense variant has a deleterious effect on protein structure/function; Missense variants in this gene are a common cause of disease and they are underrepresented in the general population; This variant is associated with the following publications: (PMID: 17586837, 25862627, 24803665, 35979676, 29493581, 22190897, 17143282, 23885229, 20683980, 23487764)

Fulgent Genetics
Classification: Pathogenic for Fibromatosis, gingival, 1; Noonan syndrome 4. Last evaluated: 2021-12-20. Review status: criteria provided, single submitter. Criteria: ACMG Guidelines, 2015. Collection method: clinical testing. Allele origin: unknown.

Blueprint Genetics
Classification: Pathogenic for SOS1-related disorders. Last evaluated: 2019-02-25. Review status: criteria provided, single submitter. Criteria: ACMG Guidelines, 2015. Collection method: clinical testing. Allele origin: germline. Affected: yes. Observed: 1 variant allele.

Genome-Nilou Lab
Classification: Pathogenic for Noonan syndrome 4. Review status: criteria provided, single submitter. Criteria: ACMG Guidelines, 2015. Collection method: clinical testing. Allele origin: germline.

ARUP Laboratories, Molecular Genetics and Genomics, ARUP Laboratories
Classification: Pathogenic for Noonan syndrome. Last evaluated: 2013-03-26. Review status: no assertion criteria provided. Collection method: clinical testing. Allele origin: unknown. Affected: yes. Observed: 1 variant allele. Not counted in ClinVar's aggregate classification.

Literature cited by the submitters: PubMed 17143282 (cited by Ambry Genetics and Labcorp Genetics (formerly Invitae), Labcorp); PubMed 17586837 (cited by Ambry Genetics and Labcorp Genetics (formerly Invitae), Labcorp); PubMed 20683980 (cited by Ambry Genetics and Labcorp Genetics (formerly Invitae), Labcorp); PubMed 22190897 (cited by Ambry Genetics and Labcorp Genetics (formerly Invitae), Labcorp); PubMed 23487764 (cited by Ambry Genetics and Labcorp Genetics (formerly Invitae), Labcorp); PubMed 25862627 (cited by Ambry Genetics and Labcorp Genetics (formerly Invitae), Labcorp); PubMed 35979676 (cited by Ambry Genetics); PubMed 23885229 (cited by Labcorp Genetics (formerly Invitae), Labcorp).